The following is an entry in ClinVar:

NM_002382.5(MAX):c.172-6223A>G

Gene: MAX (MYC associated transcriptional regulator X; minus strand). Cytogenetic location: 14q23.3.
Variant type: single nucleotide variant.
Coding change: c.172-6223A>G on transcript NM_002382.5 (MANE Select); 6223 bases into the intron before coding-DNA position 172, A replaced by G.
Molecular consequence: intron variant. On other transcripts: missense variant (4), non-coding transcript variant (4).
Genome position (GRCh38, 1-based): chr14:65,084,259, T>C on the plus strand (A>G on the coding strand, the complement: MAX is on the minus strand). VCF-style: chr14-65084259-T-C. GRCh37 (hg19) VCF-style: chr14-65550977-T-C.
Other names: c.185A>G, p.His62Arg (NM_001271068.2, NM_001407113.1); c.235A>G, p.Ile79Val (NM_001407114.1); c.212A>G, p.His71Arg (NM_145114.3); c.144+9449A>G (NM_001271069.2); c.171+9449A>G (NM_197957.4); c.-196-6223A>G (NM_001407112.1, NM_001407111.1); c.-103-6223A>G (NM_001407106.1, NM_001407107.1, NM_001320415.2 and 1 more transcripts); c.145-6223A>G (NM_001407095.1, NM_001407110.1, NM_001407102.1 and 6 more transcripts); and 2 more; short protein forms H62R, H71R, I79V.
Identifiers: ClinVar variation 5023982 (VCV005023982.1).
Genomic context (GRCh38, chr14:65,084,259, plus strand): 5'-TTCTTGTGCACTTGGTAGCTTGAAATGAAGGTGTGGCATTTCTGCATCAAACTTTGACGA[T>C]GAAGGACAGGAGTACACAATTTCCAAAAGAGGAAATAGAGCTAGTAAATAAACATGTGGA-3'

ClinVar aggregate classification (germline): Uncertain significance (1 of 4 stars; one submission).

Conditions:
Hereditary cancer-predisposing syndrome. Also called: Neoplastic Syndromes, Hereditary; Tumor predisposition; Hereditary neoplastic syndrome; Hereditary Cancer Syndrome. Identifiers: Orphanet 140162, MedGen C0027672, MeSH D009386, MONDO:0015356.

Submission:

Ambry Genetics
Classification: Uncertain significance for Hereditary cancer-predisposing syndrome. Last evaluated: 2026-07-07. Review status: criteria provided, single submitter. Criteria: Ambry Variant Classification Scheme 2023. Collection method: clinical testing. Allele origin: germline.
Comment: The p.H71R variant (also known as c.212A>G), located in coding exon 4 of the MAX gene, results from an A to G substitution at nucleotide position 212. The histidine at codon 71 is replaced by arginine, an amino acid with highly similar properties. This amino acid position is conserved. In addition, this alteration is predicted to be tolerated by in silico analysis. Based on the available evidence, the clinical significance of this variant remains unclear.